The following is an entry in ClinVar:

NM_014994.3(MAPKBP1):c.2156+1G>A

Gene: MAPKBP1 (mitogen-activated protein kinase binding protein 1; plus strand). Cytogenetic location: 15q15.1.
Variant type: single nucleotide variant.
Coding change: c.2156+1G>A on transcript NM_014994.3 (MANE Select); the canonical splice donor site of the intron after coding-DNA position 2156, G replaced by A.
Molecular consequence: splice donor variant.
Genome position (GRCh38, 1-based): chr15:41,818,583, G>A. VCF-style: chr15-41818583-G-A. GRCh37 (hg19) VCF-style: chr15-42110781-G-A.
Other names: c.2174+1G>A (NM_001128608.2); c.2156+1G>A (NM_001265611.2).
Identifiers: ClinVar variation 3044490 (VCV003044490.2), dbSNP rs1219418471, ClinGen allele CA391866222.

ClinVar aggregate classification (germline): Likely pathogenic (0 of 4 stars; one submission).

Conditions:
MAPKBP1-related disorder. Also called: MAPKBP1-related condition.

Submission:

PreventionGenetics, part of Exact Sciences
Classification: Likely pathogenic for MAPKBP1-related condition. Last evaluated: 2023-12-22. Review status: no assertion criteria provided. Collection method: clinical testing. Allele origin: germline.
Comment: The MAPKBP1 c.2174+1G>A variant is predicted to disrupt the GT donor site and interfere with normal splicing. To our knowledge, this variant has not been reported in the literature or in a large population database, indicating this variant is rare. Variants that disrupt the consensus splice donor site in MAPKBP1 are expected to be pathogenic. This variant is interpreted as likely pathogenic.